The following is an entry in ClinVar:

NM_014846.4(WASHC5):c.2199+6C>T

Gene: WASHC5 (WASH complex subunit 5; minus strand). Cytogenetic location: 8q24.13.
Variant type: single nucleotide variant.
Coding change: c.2199+6C>T on transcript NM_014846.4 (MANE Select); 6 bases into the intron after coding-DNA position 2199, C replaced by T.
Molecular consequence: intron variant.
Genome position (GRCh38, 1-based): chr8:125,050,558, G>A on the plus strand (C>T on the coding strand, the complement: WASHC5 is on the minus strand). VCF-style: chr8-125050558-G-A. GRCh37 (hg19) VCF-style: chr8-126062800-G-A.
Other names: c.1755+6C>T (NM_001330609.2).
Identifiers: ClinVar variation 3752404 (VCV003752404.2).
Genomic context (GRCh38, chr8:125,050,558, plus strand): 5'-TGGCATTCTAGTCCATGCTGCAAGCTGGGCGGAGAAGAGGACAGGCCCACTCTGGTCACT[G>A]GGTACCTTGGCTCGAGGGTTGAATATCAGTCCCCTATGCAGGGCAAAGGCAACGCGCTTC-3'

ClinVar aggregate classification (germline): Uncertain significance (1 of 4 stars; one submission).

Conditions:
Ritscher-Schinzel syndrome. Also called: CRANIOCEREBELLOCARDIAC DYSPLASIA. Identifiers: Orphanet 7, MedGen C0796137, MONDO:0019078.
Hereditary spastic paraplegia 8 (SPG8). Also called: SPASTIC PARAPLEGIA 8, AUTOSOMAL DOMINANT. Identifiers: Orphanet 100989, MedGen C1863704, MONDO:0011339, OMIM 603563.

gnomAD v4.1: 11 of 1,609,030 alleles (0.00068%); highest among the groups gnomAD compares: African/African-American, 0.011%; no homozygotes.

Submission:

Labcorp Genetics (formerly Invitae), Labcorp
Classification: Uncertain significance for Ritscher-Schinzel syndrome; Hereditary spastic paraplegia 8. Last evaluated: 2024-02-03. Review status: criteria provided, single submitter. Criteria: Invitae Variant Classification Sherloc (09022015). Collection method: clinical testing. Allele origin: germline.
Comment: This sequence change falls in intron 18 of the WASHC5 gene. It does not directly change the encoded amino acid sequence of the WASHC5 protein. It affects a nucleotide within the consensus splice site. This variant is present in population databases (rs377039912, gnomAD 0.01%). This variant has not been reported in the literature in individuals affected with WASHC5-related conditions. Variants that disrupt the consensus splice site are a relatively common cause of aberrant splicing (PMID: 17576681, 9536098). Algorithms developed to predict the effect of sequence changes on RNA splicing suggest that this variant is not likely to affect RNA splicing. In summary, the available evidence is currently insufficient to determine the role of this variant in disease. Therefore, it has been classified as a Variant of Uncertain Significance.

Literature cited by the submitters: PubMed 17576681; PubMed 9536098.